The following is an entry in ClinVar:

NM_080680.3(COL11A2):c.3328C>T (p.Pro1110Ser)

Gene: COL11A2 (collagen type XI alpha 2 chain; minus strand). Cytogenetic location: 6p21.32.
Variant type: single nucleotide variant.
Coding change: c.3328C>T on transcript NM_080680.3 (MANE Select); coding-DNA position 3328, C replaced by T.
Protein change: p.Pro1110Ser; replaces proline 1110 with serine.
Molecular consequence: missense variant.
Genome position (GRCh38, 1-based): chr6:33,171,152, G>A on the plus strand (C>T on the coding strand, the complement: COL11A2 is on the minus strand). VCF-style: chr6-33171152-G-A. GRCh37 (hg19) VCF-style: chr6-33138929-G-A.
Other names: c.3007C>T, p.Pro1003Ser (NM_080679.3); c.3070C>T, p.Pro1024Ser (NM_080681.3); short protein forms P1110S, P1003S, P1024S.
Identifiers: ClinVar variation 356393 (VCV000356393.42), dbSNP rs141164483, ClinGen allele CA3750551.

ClinVar aggregate classification (germline): Conflicting classifications of pathogenicity. Review status: criteria provided, conflicting classifications (1 of 4 stars). 6 submissions from 5 submitters: Uncertain significance (1); Benign (2); Likely benign (3). Last evaluated 2025-12-16.

Conditions:
Otospondylomegaepiphyseal dysplasia, autosomal recessive (OSMEDB). Also called: Insley-Astley syndrome; CHONDRODYSTROPHY WITH SENSORINEURAL DEAFNESS. Identifiers: Orphanet 1427, MedGen CN034493, MONDO:0044206, OMIM 215150.
Fibrochondrogenesis 2 (FBCG2). Identifiers: Orphanet 2021, MedGen C3281128, MONDO:0013795, OMIM 614524.

Allele frequency attached by ClinVar (database versions not stated): gnomAD exomes 0.00008 and 0.00044; gnomAD 0.00012 and 0.00019; TOPMed 0.00021; ExAC 0.00081; 1000 Genomes Project 0.00200; 1000 Genomes Project 30x 0.00203.

Submissions (6):

Labcorp Genetics (formerly Invitae), Labcorp
Classification: Benign. Last evaluated: 2025-12-16. Review status: criteria provided, single submitter. Criteria: Invitae Variant Classification Sherloc (09022015). Collection method: clinical testing. Allele origin: germline.

GeneDx
Classification: Uncertain significance. Last evaluated: 2025-09-19. Review status: criteria provided, single submitter. Criteria: GeneDx Variant Classification Process June 2021. Collection method: clinical testing. Allele origin: germline. Affected: yes.
Comment: In silico analysis supports that this missense variant has a deleterious effect on protein structure/function; Has not been previously published as pathogenic or benign to our knowledge

CeGaT Center for Human Genetics Tuebingen
Classification: Likely benign. Last evaluated: 2024-12-01. Review status: criteria provided, single submitter. Criteria: CeGaT Center For Human Genetics Tuebingen Variant Classification Criteria Version 2. Collection method: clinical testing. Allele origin: germline. Affected: yes. Observed: 1 variant allele.
Comment: COL11A2: BS1:Supporting

Blueprint Genetics
Classification: Benign. Last evaluated: 2024-10-30. Review status: criteria provided, single submitter. Criteria: ACMG Guidelines, 2015. Collection method: clinical testing. Allele origin: germline.

Illumina Laboratory Services, Illumina
Classification: Likely benign for Otospondylomegaepiphyseal dysplasia, autosomal recessive. Last evaluated: 2018-01-12. Review status: criteria provided, single submitter. Criteria: ICSL Variant Classification Criteria 13 December 2019. Collection method: clinical testing. Allele origin: germline.
Comment: This variant was observed in the ICSL laboratory as part of a predisposition screen in an ostensibly healthy population. It had not been previously curated by ICSL or reported in the Human Gene Mutation Database (HGMD: prior to June 1st, 2018), and was therefore a candidate for classification through an automated scoring system. Utilizing variant allele frequency, disease prevalence and penetrance estimates, and inheritance mode, an automated score was calculated to assess if this variant is too frequent to cause the disease. Based on the score and internal cut-off values, a variant classified as likely benign is not then subjected to further curation. The score for this variant resulted in a classification of likely benign for this disease.

Illumina Laboratory Services, Illumina
Classification: Likely benign for Fibrochondrogenesis 2. Last evaluated: 2018-01-12. Review status: criteria provided, single submitter. Criteria: ICSL Variant Classification Criteria 13 December 2019. Collection method: clinical testing. Allele origin: germline.
Comment: the same text as in the submission from Illumina Laboratory Services, Illumina above.